The following is an entry in ClinVar:

ClinVar aggregate classification (germline): Pathogenic/Likely pathogenic. Review status: criteria provided, multiple submitters, no conflicts (2 of 4 stars). 6 submissions from 6 submitters: Pathogenic (3); Likely pathogenic (1). 2 of the submissions do not count toward it. Last evaluated 2024-03-25.

Conditions:
Bardet-Biedl syndrome 9 (BBS9). Identifiers: Orphanet 110, MedGen C1859567, MONDO:0014437, OMIM 615986.
Bardet-Biedl syndrome (BBS). Identifiers: Orphanet 110, MedGen C0752166, MONDO:0015229.
BBS9-related disorder. Also called: BBS9-related condition.

Allele frequency attached by ClinVar (database versions not stated): gnomAD exomes below 0.00001 and 0.00001; ExAC 0.00001; gnomAD 0.00001.
gnomAD v4.1: 21 of 1,613,462 alleles (0.0013%); highest among the groups gnomAD compares: East Asian, 0.0022%; no homozygotes.

Submissions (6):

Fulgent Genetics
Classification: Pathogenic for Bardet-Biedl syndrome 9. Last evaluated: 2024-03-25. Review status: criteria provided, single submitter. Criteria: ACMG Guidelines, 2015. Collection method: clinical testing. Allele origin: germline.

Labcorp Genetics (formerly Invitae), Labcorp
Classification: Pathogenic for Bardet-Biedl syndrome. Last evaluated: 2023-08-08. Review status: criteria provided, single submitter. Criteria: Invitae Variant Classification Sherloc (09022015). Collection method: clinical testing. Allele origin: germline.
Comment: For these reasons, this variant has been classified as Pathogenic. ClinVar contains an entry for this variant (Variation ID: 856112). This premature translational stop signal has been observed in individual(s) with Bardet-Biedl syndrome (PMID: 20177705). This variant is present in population databases (rs767005321, gnomAD 0.004%). This sequence change creates a premature translational stop signal (p.Arg278*) in the BBS9 gene. It is expected to result in an absent or disrupted protein product. Loss-of-function variants in BBS9 are known to be pathogenic (PMID: 16380913, 20177705).

GeneDx
Classification: Likely pathogenic. Last evaluated: 2023-01-17. Review status: criteria provided, single submitter. Criteria: GeneDx Variant Classification Process June 2021. Collection method: clinical testing. Allele origin: germline. Affected: yes.
Comment: Observed in multiple affected patients in one family with Bardet-Biedl syndrome in the literature (Muller et al., 2010); Nonsense variant predicted to result in protein truncation or nonsense mediated decay in a gene for which loss of function is a known mechanism of disease; Not observed at significant frequency in large population cohorts (gnomAD); This variant is associated with the following publications: (PMID: 25525159, 20177705)

Blueprint Genetics
Classification: Pathogenic for BBS9-related disorders. Last evaluated: 2018-06-13. Review status: criteria provided, single submitter. Criteria: ACMG Guidelines, 2015. Collection method: clinical testing. Allele origin: germline. Affected: yes. Observed: 3 variant alleles.

Genome Diagnostics Laboratory, University Medical Center Utrecht
Classification: Pathogenic. Review status: no assertion criteria provided. Collection method: clinical testing. Allele origin: germline. Affected: yes. Study: VKGL Data-share Consensus. Not counted in ClinVar's aggregate classification.

Joint Genome Diagnostic Labs from Nijmegen and Maastricht, Radboudumc and MUMC+
Classification: Pathogenic. Review status: no assertion criteria provided. Collection method: clinical testing. Allele origin: germline. Affected: yes. Study: VKGL Data-share Consensus. Not counted in ClinVar's aggregate classification.

Literature cited by the submitters: PubMed 20177705 (cited by Labcorp Genetics (formerly Invitae), Labcorp); PubMed 16380913 (cited by Labcorp Genetics (formerly Invitae), Labcorp).

NM_198428.3(BBS9):c.832C>T (p.Arg278Ter)

Gene: BBS9 (Bardet-Biedl syndrome 9; plus strand). Cytogenetic location: 7p14.3.
Variant type: single nucleotide variant.
Coding change: c.832C>T on transcript NM_198428.3 (MANE Select); coding-DNA position 832, C replaced by T.
Protein change: p.Arg278Ter; replaces arginine 278 with a stop codon.
Molecular consequence: nonsense. On other transcripts: non-coding transcript variant (3).
Genome position (GRCh38, 1-based): chr7:33,273,141, C>T. VCF-style: chr7-33273141-C-T. GRCh37 (hg19) VCF-style: chr7-33312753-C-T.
Other names: c.832C>T, p.Arg278Ter (NM_001033604.2, NM_001033605.2, NM_001348036.1 and 5 more transcripts); c.466C>T, p.Arg156Ter (NM_001348037.3, NM_001348044.3, NM_001348045.3 and 1 more transcripts); c.559C>T, p.Arg187Ter (NM_001348038.3, NM_001348039.3); c.697C>T, p.Arg233Ter (NM_001348042.3); short protein forms R187*, R156*, R233*, R278*.
Identifiers: ClinVar variation 856112 (VCV000856112.19), dbSNP rs767005321, ClinGen allele CA4214117.